The following is an entry in ClinVar:

ClinVar aggregate classification (germline): Uncertain significance (1 of 4 stars; one submission).

Conditions:
Familial thoracic aortic aneurysm and aortic dissection (TAAD). Also called: Thoracic aortic aneurysms and dissections. Identifiers: Orphanet 91387, MedGen C4707243, MONDO:0019625.

Submission:

Color Diagnostics, LLC DBA Color Health
Classification: Uncertain significance for Familial thoracic aortic aneurysm and aortic dissection. Last evaluated: 2024-03-06. Review status: criteria provided, single submitter. Criteria: ACMG Guidelines, 2015. Collection method: clinical testing. Allele origin: germline.
Comment: This missense variant replaces threonine with isoleucine at codon 73 of the FBN1 protein. Computational prediction is inconclusive regarding the impact of this variant on protein structure and function (internally defined REVEL score threshold 0.5 < inconclusive < 0.7, PMID: 27666373). Splice site prediction tools suggest that this variant may not impact RNA splicing. To our knowledge, functional studies have not been performed for this variant. This variant has not been reported in individuals affected with cardiovascular disorders in the literature. This variant has not been identified in the general population by the Genome Aggregation Database (gnomAD). The available evidence is insufficient to determine the role of this variant in disease conclusively. Therefore, this variant is classified as a Variant of Uncertain Significance.

NM_000138.5(FBN1):c.218C>T (p.Thr73Ile)

Gene: FBN1 (fibrillin 1; minus strand). Cytogenetic location: 15q21.1.
Variant type: single nucleotide variant.
Coding change: c.218C>T on transcript NM_000138.5 (MANE Select); coding-DNA position 218, C replaced by T.
Protein change: p.Thr73Ile; replaces threonine 73 with isoleucine.
Molecular consequence: missense variant.
Genome position (GRCh38, 1-based): chr15:48,613,039, G>A on the plus strand (C>T on the coding strand, the complement: FBN1 is on the minus strand). VCF-style: chr15-48613039-G-A. GRCh37 (hg19) VCF-style: chr15-48905236-G-A.
Other names: short protein forms T73I.
Identifiers: ClinVar variation 923246 (VCV000923246.4), dbSNP rs2044668949, ClinGen allele CA392448320.